The following is an entry in ClinVar:

ClinVar aggregate classification (germline): Uncertain significance (1 of 4 stars; one submission).

Conditions:
Charcot-Marie-Tooth disease dominant intermediate C (CMTDIC). Also called: CHARCOT-MARIE-TOOTH NEUROPATHY, DOMINANT INTERMEDIATE C. Identifiers: Orphanet 100045, MedGen C1842237, MONDO:0012012, OMIM 608323.

Allele frequency attached by ClinVar (database versions not stated): ExAC 0.00001; TOPMed 0.00001; ESP Exome Variant Server 0.00008.
gnomAD v4.1: 1 of 1,614,202 alleles (0.000062%); highest among the groups gnomAD compares: Non-Finnish European, 0.000085%; no homozygotes.

Submission:

Labcorp Genetics (formerly Invitae), Labcorp
Classification: Uncertain significance for Charcot-Marie-Tooth disease dominant intermediate C. Last evaluated: 2024-04-11. Review status: criteria provided, single submitter. Criteria: Invitae Variant Classification Sherloc (09022015). Collection method: clinical testing. Allele origin: germline.
Comment: This sequence change replaces valine, which is neutral and non-polar, with methionine, which is neutral and non-polar, at codon 402 of the YARS protein (p.Val402Met). This variant is present in population databases (rs375192497, gnomAD 0.0009%). This variant has not been reported in the literature in individuals affected with YARS-related conditions. Advanced modeling of protein sequence and biophysical properties (such as structural, functional, and spatial information, amino acid conservation, physicochemical variation, residue mobility, and thermodynamic stability) has been performed at Invitae for this missense variant, however the output from this modeling did not meet the statistical confidence thresholds required to predict the impact of this variant on YARS protein function. In summary, the available evidence is currently insufficient to determine the role of this variant in disease. Therefore, it has been classified as a Variant of Uncertain Significance.

NM_003680.4(YARS1):c.1204G>A (p.Val402Met)

Gene: YARS1 (tyrosyl-tRNA synthetase 1; minus strand). Cytogenetic location: 1p35.1.
Variant type: single nucleotide variant.
Coding change: c.1204G>A on transcript NM_003680.4 (MANE Select); coding-DNA position 1204, G replaced by A.
Protein change: p.Val402Met; replaces valine 402 with methionine.
Molecular consequence: missense variant.
Genome position (GRCh38, 1-based): chr1:32,780,215, C>T on the plus strand (G>A on the coding strand, the complement: YARS1 is on the minus strand). VCF-style: chr1-32780215-C-T. GRCh37 (hg19) VCF-style: chr1-33245816-C-T.
Other names: short protein forms V402M.
Identifiers: ClinVar variation 2984457 (VCV002984457.3), dbSNP rs375192497, ClinGen allele CA744956.